The following is an entry in ClinVar:

ClinVar aggregate classification (germline): Uncertain significance (1 of 4 stars; one submission).

Conditions:
Usher syndrome type 3B. Also called: USHER SYNDROME, TYPE IIIB. Identifiers: MedGen C3281066, MONDO:0013788, OMIM 614504.

Allele frequency attached by ClinVar (database versions not stated): gnomAD exomes 0.00001.

Submission:

Labcorp Genetics (formerly Invitae), Labcorp
Classification: Uncertain significance for Usher syndrome type 3B. Last evaluated: 2024-11-05. Review status: criteria provided, single submitter. Criteria: Invitae Variant Classification Sherloc (09022015). Collection method: clinical testing. Allele origin: germline.
Comment: This sequence change replaces methionine, which is neutral and non-polar, with valine, which is neutral and non-polar, at codon 185 of the HARS protein (p.Met185Val). This variant is present in population databases (no rsID available, gnomAD 0.006%). This variant has not been reported in the literature in individuals affected with HARS-related conditions. ClinVar contains an entry for this variant (Variation ID: 2186188). Invitae Evidence Modeling of protein sequence and biophysical properties (such as structural, functional, and spatial information, amino acid conservation, physicochemical variation, residue mobility, and thermodynamic stability) indicates that this missense variant is expected to disrupt HARS protein function with a positive predictive value of 80%. In summary, the available evidence is currently insufficient to determine the role of this variant in disease. Therefore, it has been classified as a Variant of Uncertain Significance.

NM_002109.6(HARS1):c.553A>G (p.Met185Val)

Gene: HARS1 (histidyl-tRNA synthetase 1; minus strand). Cytogenetic location: 5q31.3.
Variant type: single nucleotide variant.
Coding change: c.553A>G on transcript NM_002109.6 (MANE Select); coding-DNA position 553, A replaced by G.
Protein change: p.Met185Val; replaces methionine 185 with valine.
Molecular consequence: missense variant.
Genome position (GRCh38, 1-based): chr5:140,677,985, T>C on the plus strand (A>G on the coding strand, the complement: HARS1 is on the minus strand). VCF-style: chr5-140677985-T-C. GRCh37 (hg19) VCF-style: chr5-140057570-T-C.
Other names: c.433A>G, p.Met145Val (NM_001258040.3); c.493A>G, p.Met165Val (NM_001258041.3); c.373A>G, p.Met125Val (NM_001258042.3); c.331A>G, p.Met111Val (NM_001289092.2); c.211A>G, p.Met71Val (NM_001289093.2); c.466A>G, p.Met156Val (NM_001289094.2); short protein forms M165V, M71V, M111V, M156V, M145V, M185V, M125V.
Identifiers: ClinVar variation 2186188 (VCV002186188.4), dbSNP rs1387154351, ClinGen allele CA361255872.